The following is an entry in ClinVar:

NM_017636.4(TRPM4):c.618G>A (p.Ser206=)

Gene: TRPM4 (transient receptor potential cation channel subfamily M member 4; plus strand). Cytogenetic location: 19q13.33.
Variant type: single nucleotide variant.
Coding change: c.618G>A on transcript NM_017636.4 (MANE Select); coding-DNA position 618, G replaced by A.
Protein change: p.Ser206=; no amino-acid change (serine 206 retained).
Molecular consequence: synonymous variant. On other transcripts: 5 prime UTR variant (2).
Genome position (GRCh38, 1-based): chr19:49,168,558, G>A. VCF-style: chr19-49168558-G-A. GRCh37 (hg19) VCF-style: chr19-49671815-G-A.
Other names: c.618G>A, p.Ser206= (NM_001195227.2); c.273G>A, p.Ser91= (NM_001321281.2); c.-936G>A (NM_001321282.2); c.96G>A, p.Ser32= (NM_001321283.2); c.-232G>A (NM_001321285.2).
Identifiers: ClinVar variation 264212 (VCV000264212.25), dbSNP rs142788545, ClinGen allele CA9568892.

ClinVar aggregate classification (germline): Benign/Likely benign. Review status: criteria provided, multiple submitters, no conflicts (2 of 4 stars). 8 submissions from 8 submitters: Benign (4); Likely benign (3). 1 of the submissions does not count toward it. Last evaluated 2026-01-28.

Conditions:
TRPM4-related disorder. Also called: TRPM4-related disorders; TRPM4-related condition. Identifiers: MedGen CN239424.
Cardiovascular phenotype. Identifiers: MedGen CN230736.
Progressive familial heart block type IB (PFHB1B). Identifiers: Orphanet 871, MedGen C1970298, MONDO:0011474, OMIM 604559.

Allele frequency attached by ClinVar (database versions not stated): gnomAD exomes 0.00236 and 0.00426; gnomAD 0.00422 and 0.00451; TOPMed 0.00464; ESP Exome Variant Server 0.00469; ExAC 0.00472; 1000 Genomes Project 0.00958; 1000 Genomes Project 30x 0.00968.
gnomAD v4.1: 4,176 of 1,613,880 alleles (0.26%); highest among the groups gnomAD compares: South Asian, 2.1%; 44 homozygotes.

Submissions (8):

Labcorp Genetics (formerly Invitae), Labcorp
Classification: Benign for Progressive familial heart block type IB. Last evaluated: 2026-01-28. Review status: criteria provided, single submitter. Criteria: Invitae Variant Classification Sherloc (09022015). Collection method: clinical testing. Allele origin: germline.

Women's Health and Genetics/Laboratory Corporation of America, LabCorp
Classification: Benign. Last evaluated: 2024-01-22. Review status: criteria provided, single submitter. Criteria: LabCorp Variant Classification Summary - May 2015. Collection method: clinical testing. Allele origin: germline.

Illumina Laboratory Services, Illumina
Classification: Likely benign for Progressive familial heart block type IB. Last evaluated: 2018-01-13. Review status: criteria provided, single submitter. Criteria: ICSL Variant Classification Criteria 13 December 2019. Collection method: clinical testing. Allele origin: germline.
Comment: This variant was observed in the ICSL laboratory as part of a predisposition screen in an ostensibly healthy population. It had not been previously curated by ICSL or reported in the Human Gene Mutation Database (HGMD: prior to June 1st, 2018), and was therefore a candidate for classification through an automated scoring system. Utilizing variant allele frequency, disease prevalence and penetrance estimates, and inheritance mode, an automated score was calculated to assess if this variant is too frequent to cause the disease. Based on the score and internal cut-off values, a variant classified as likely benign is not then subjected to further curation. The score for this variant resulted in a classification of likely benign for this disease.

Molecular Diagnostic Laboratory for Inherited Cardiovascular Disease, Montreal Heart Institute
Classification: Likely benign. Last evaluated: 2017-05-31. Review status: criteria provided, single submitter. Criteria: ACMG Guidelines, 2015. Collection method: clinical testing. Allele origin: germline. Affected: yes.

GeneDx
Classification: Benign. Last evaluated: 2016-11-14. Review status: criteria provided, single submitter. Criteria: GeneDx Variant Classification (06012015). Collection method: clinical testing. Allele origin: germline. Affected: yes.
Comment: This variant is considered likely benign or benign based on one or more of the following criteria: it is a conservative change, it occurs at a poorly conserved position in the protein, it is predicted to be benign by multiple in silico algorithms, and/or has population frequency not consistent with disease.

Ambry Genetics
Classification: Benign for Cardiovascular phenotype. Last evaluated: 2015-07-20. Review status: criteria provided, single submitter. Criteria: Ambry Variant Classification Scheme 2023. Collection method: clinical testing. Allele origin: germline.

Breakthrough Genomics
Classification: Likely benign. Review status: criteria provided, single submitter. Criteria: ACMG Guidelines, 2015. Collection method: not provided. Allele origin: germline. Inheritance: Autosomal dominant inheritance. Affected: yes.

PreventionGenetics, part of Exact Sciences
Classification: Benign for TRPM4-related condition. Last evaluated: 2019-06-11. Review status: no assertion criteria provided. Collection method: clinical testing. Allele origin: germline. Not counted in ClinVar's aggregate classification.
Comment: This variant is classified as benign based on ACMG/AMP sequence variant interpretation guidelines (Richards et al. 2015 PMID: 25741868, with internal and published modifications).